The following is an entry in ClinVar:

ClinVar aggregate classification (germline): Uncertain significance (1 of 4 stars; one submission).

Conditions:
Inborn genetic diseases. Identifiers: MedGen C0950123, MeSH D030342.

Submission:

Ambry Genetics
Classification: Uncertain significance for Inborn genetic diseases. Last evaluated: 2023-03-30. Review status: criteria provided, single submitter. Criteria: Ambry Variant Classification Scheme 2023. Collection method: clinical testing. Allele origin: germline.
Comment: The p.V513L variant (also known as c.1537G>C), located in coding exon 13 of the LRRK2 gene, results from a G to C substitution at nucleotide position 1537. The valine at codon 513 is replaced by leucine, an amino acid with highly similar properties. This amino acid position is conserved. In addition, this alteration is predicted to be tolerated by in silico analysis. Since supporting evidence is limited at this time, the clinical significance of this alteration remains unclear.

NM_198578.4(LRRK2):c.1537G>C (p.Val513Leu)

Gene: LRRK2 (leucine rich repeat kinase 2; plus strand). Cytogenetic location: 12q12.
Variant type: single nucleotide variant.
Coding change: c.1537G>C on transcript NM_198578.4 (MANE Select); coding-DNA position 1537, G replaced by C.
Protein change: p.Val513Leu; replaces valine 513 with leucine.
Molecular consequence: missense variant.
Genome position (GRCh38, 1-based): chr12:40,259,598, G>C. VCF-style: chr12-40259598-G-C. GRCh37 (hg19) VCF-style: chr12-40653400-G-C.
Other names: short protein forms V513L.
Identifiers: ClinVar variation 2567340 (VCV002567340.2), dbSNP rs1326110333, ClinGen allele CA384411797.